The following is an entry in ClinVar:

NM_007129.5(ZIC2):c.1075+213G>A

Gene: ZIC2 (Zic family member 2; plus strand). Cytogenetic location: 13q32.3.
Variant type: single nucleotide variant.
Coding change: c.1075+213G>A on transcript NM_007129.5 (MANE Select); 213 bases into the intron after coding-DNA position 1075, G replaced by A.
Molecular consequence: intron variant.
Genome position (GRCh38, 1-based): chr13:99,983,352, G>A. VCF-style: chr13-99983352-G-A. GRCh37 (hg19) VCF-style: chr13-100635606-G-A.
Identifiers: ClinVar variation 669662 (VCV000669662.1), dbSNP rs1334586, ClinGen allele CA13821282.

ClinVar aggregate classification (germline): Benign (1 of 4 stars; one submission).

Allele frequency attached by ClinVar (database versions not stated): 1000 Genomes Project 0.69409; 1000 Genomes Project 30x 0.70019; gnomAD 0.71557; TOPMed 0.73538.

Submission:

GeneDx
Classification: Benign. Last evaluated: 2018-06-19. Review status: criteria provided, single submitter. Criteria: GeneDx Variant Classification (06012015). Collection method: clinical testing. Allele origin: germline. Affected: yes.
Comment: This variant is considered likely benign or benign based on one or more of the following criteria: it is a conservative change, it occurs at a poorly conserved position in the protein, it is predicted to be benign by multiple in silico algorithms, and/or has population frequency not consistent with disease.